The following is an entry in ClinVar:

NM_024675.4(PALB2):c.259del (p.His87fs)

Gene: PALB2 (partner and localizer of BRCA2; minus strand). Cytogenetic location: 16p12.2.
Variant type: Deletion.
Coding change: c.259del on transcript NM_024675.4 (MANE Select); coding-DNA position 259, one base deleted (C; older notation c.259delC).
Protein change: p.His87fs; shifts the reading frame from histidine 87.
Molecular consequence: frameshift variant. On other transcripts: 5 prime UTR variant (8), intron variant (3).
Genome position (GRCh38, 1-based): chr16:23,636,287, G deleted on the plus strand (C on the coding strand, the reverse complement: PALB2 is on the minus strand); the first of 3 consecutive G bases (chr16:23,636,287-23,636,289); deleting any one gives the same sequence. VCF-style (leftmost placement, unchanged base first): chr16-23636286-TG-T. GRCh37 (hg19) VCF-style: chr16-23647607-TG-T.
Other names: c.259del, p.His87fs (NM_001407298.1, NM_001407299.1, NM_001407300.1 and 3 more transcripts); c.-627del (NM_001407304.1, NM_001407305.1, NM_001407307.1 and 5 more transcripts); c.199del, p.His67fs (NM_001407296.1); c.48+4823del (NM_001407314.1); c.-105+4823del (NM_001407313.1, NM_001407312.1); short protein forms H87fs, H67fs.
Identifiers: ClinVar variation 3725560 (VCV003725560.3).

ClinVar aggregate classification (germline): Pathogenic. Review status: criteria provided, multiple submitters, no conflicts (2 of 4 stars). 2 submissions from 2 submitters: Pathogenic (2). Last evaluated 2025-06-11.

Conditions:
Familial cancer of breast. Also called: Hereditary breast cancer; BREAST CANCER, FAMILIAL; hereditary breast carcinoma. Identifiers: Orphanet 227535, MedGen C0346153, MONDO:0016419, OMIM 114480. Disease mechanism: loss of function.

Submissions (2):

Myriad Genetics, Inc.
Classification: Pathogenic for Familial cancer of breast. Last evaluated: 2025-06-11. Review status: criteria provided, single submitter. Criteria: Myriad Autosomal Dominant, Autosomal Recessive and X-Linked Classification Criteria (2023). Collection method: clinical testing. Allele origin: unknown.
Comment: This variant is considered pathogenic. This variant creates a frameshift predicted to result in premature protein truncation.

Labcorp Genetics (formerly Invitae), Labcorp
Classification: Pathogenic for Familial cancer of breast. Last evaluated: 2024-11-19. Review status: criteria provided, single submitter. Criteria: Invitae Variant Classification Sherloc (09022015). Collection method: clinical testing. Allele origin: germline.
Comment: This sequence change creates a premature translational stop signal (p.His87Ilefs*90) in the PALB2 gene. It is expected to result in an absent or disrupted protein product. Loss-of-function variants in PALB2 are known to be pathogenic (PMID: 17200668, 17200671, 17200672, 24136930, 25099575). This variant is not present in population databases (gnomAD no frequency). This variant has not been reported in the literature in individuals affected with PALB2-related conditions. For these reasons, this variant has been classified as Pathogenic.

Literature cited by the submitters: PubMed 17200668 (cited by Labcorp Genetics (formerly Invitae), Labcorp); PubMed 17200671 (cited by Labcorp Genetics (formerly Invitae), Labcorp); PubMed 17200672 (cited by Labcorp Genetics (formerly Invitae), Labcorp); PubMed 24136930 (cited by Labcorp Genetics (formerly Invitae), Labcorp); PubMed 25099575 (cited by Labcorp Genetics (formerly Invitae), Labcorp).